The following is an entry in ClinVar:

NM_001308093.3(GATA4):c.592C>T (p.Pro198Ser)

Gene: GATA4 (GATA binding protein 4). Cytogenetic location: 8p23.1.
Variant type: single nucleotide variant.
Coding change: c.592C>T on transcript NM_001308093.3 (MANE Select); coding-DNA position 592, C replaced by T.
Protein change: p.Pro198Ser; replaces proline 198 with serine.
Molecular consequence: missense variant. On other transcripts: intron variant (3).
Genome position (GRCh38, 1-based): chr8:11,708,904, C>T. VCF-style: chr8-11708904-C-T. GRCh37 (hg19) VCF-style: chr8-11566413-C-T.
Other names: c.592C>T, p.Pro198Ser (NM_002052.5); c.-6+8126C>T (NM_001308094.2); c.-3+890C>T (NM_001374274.1); c.-3+4600C>T (NM_001374273.1); short protein forms P198S.
Identifiers: ClinVar variation 835552 (VCV000835552.10), dbSNP rs1359707472, ClinGen allele CA370309951.

ClinVar aggregate classification (germline): Uncertain significance. Review status: criteria provided, multiple submitters, no conflicts (2 of 4 stars). 2 submissions from 2 submitters: Uncertain significance (2). Last evaluated 2025-12-26.

Conditions:
Atrioventricular septal defect 4 (AVSD4). Identifiers: MedGen C3280781, MONDO:0013747, OMIM 614430.
Cardiovascular phenotype. Identifiers: MedGen CN230736.

Allele frequency attached by ClinVar (database versions not stated): TOPMed 0.00001; gnomAD 0.00001; gnomAD exomes 0.00001.
gnomAD v4.1: 54 of 1,527,642 alleles (0.0035%); highest among the groups gnomAD compares: Non-Finnish European, 0.0046%; no homozygotes.

Submissions (2):

Labcorp Genetics (formerly Invitae), Labcorp
Classification: Uncertain significance for Atrioventricular septal defect 4. Last evaluated: 2025-12-26. Review status: criteria provided, single submitter. Criteria: Invitae Variant Classification Sherloc (09022015). Collection method: clinical testing. Allele origin: germline.
Comment: This sequence change replaces proline, which is neutral and non-polar, with serine, which is neutral and polar, at codon 198 of the GATA4 protein (p.Pro198Ser). This variant is present in population databases (no rsID available, gnomAD 0.002%). This variant has not been reported in the literature in individuals affected with GATA4-related conditions. ClinVar contains an entry for this variant (Variation ID: 835552). Invitae Evidence Modeling of protein sequence and biophysical properties (such as structural, functional, and spatial information, amino acid conservation, physicochemical variation, residue mobility, and thermodynamic stability) indicates that this missense variant is not expected to disrupt GATA4 protein function with a negative predictive value of 95%. In summary, the available evidence is currently insufficient to determine the role of this variant in disease. Therefore, it has been classified as a Variant of Uncertain Significance.

Ambry Genetics
Classification: Uncertain significance for Cardiovascular phenotype. Last evaluated: 2025-06-08. Review status: criteria provided, single submitter. Criteria: Ambry Variant Classification Scheme 2023. Collection method: clinical testing. Allele origin: germline.